The following is an entry in ClinVar:

ClinVar aggregate classification (germline): Uncertain significance. Review status: criteria provided, multiple submitters, no conflicts (2 of 4 stars). 2 submissions from 2 submitters: Uncertain significance (2). Last evaluated 2025-01-31.

Submissions (2):

Women's Health and Genetics/Laboratory Corporation of America, LabCorp
Classification: Uncertain significance. Last evaluated: 2025-01-31. Review status: criteria provided, single submitter. Criteria: LabCorp Variant Classification Summary - May 2015. Collection method: clinical testing. Allele origin: germline.
Comment: Variant summary: AUTS2 c.3763G>A (p.Asp1255Asn) results in a conservative amino acid change in the encoded protein sequence. Three of five in-silico tools predict a damaging effect of the variant on protein function. The variant was absent in 165258 control chromosomes (gnomAD). The available data on variant occurrences in the general population are insufficient to allow any conclusion about variant significance. To our knowledge, no occurrence of c.3763G>A in individuals affected with autism spectrum disorder due to AUTS2 deficiency and no experimental evidence demonstrating its impact on protein function have been reported. ClinVar contains an entry for this variant (Variation ID: 2429603). Based on the evidence outlined above, the variant was classified as uncertain significance.

GeneDx
Classification: Uncertain significance. Last evaluated: 2022-08-08. Review status: criteria provided, single submitter. Criteria: GeneDx Variant Classification Process June 2021. Collection method: clinical testing. Allele origin: germline. Affected: yes.
Comment: Not observed at significant frequency in large population cohorts (gnomAD); In silico analysis supports that this missense variant has a deleterious effect on protein structure/function; Has not been previously published as pathogenic or benign to our knowledge

NM_015570.4(AUTS2):c.3763G>A (p.Asp1255Asn)

Gene: AUTS2 (activator of transcription and developmental regulator AUTS2; plus strand). Cytogenetic location: 7q11.22.
Variant type: single nucleotide variant.
Coding change: c.3763G>A on transcript NM_015570.4 (MANE Select); coding-DNA position 3763, G replaced by A.
Protein change: p.Asp1255Asn; replaces aspartic acid 1255 with asparagine.
Molecular consequence: missense variant.
Genome position (GRCh38, 1-based): chr7:70,790,979, G>A. VCF-style: chr7-70790979-G-A. GRCh37 (hg19) VCF-style: chr7-70255965-G-A.
Other names: c.3691G>A, p.Asp1231Asn (NM_001127231.3); short protein forms D1231N, D1255N.
Identifiers: ClinVar variation 2429603 (VCV002429603.3), dbSNP rs2485004899, ClinGen allele CA367666865.